The following is an entry in ClinVar:

NM_030954.4(RNF170):c.304T>C (p.Cys102Arg)

Gene: RNF170 (ring finger protein 170; minus strand). Cytogenetic location: 8p11.21.
Variant type: single nucleotide variant.
Coding change: c.304T>C on transcript NM_030954.4 (MANE Select); coding-DNA position 304, T replaced by C.
Protein change: p.Cys102Arg; replaces cysteine 102 with arginine.
Molecular consequence: missense variant. On other transcripts: non-coding transcript variant (2).
Genome position (GRCh38, 1-based): chr8:42,870,022, A>G on the plus strand (T>C on the coding strand, the complement: RNF170 is on the minus strand). VCF-style: chr8-42870022-A-G. GRCh37 (hg19) VCF-style: chr8-42725165-A-G.
Other names: c.304T>C, p.Cys102Arg (NM_001160223.2, NM_001160224.2); c.52T>C, p.Cys18Arg (NM_001160225.2); short protein forms C102R, C18R.
Identifiers: ClinVar variation 638435 (VCV000638435.7), dbSNP rs1183403793, ClinGen allele CA371112777.
Genomic context (GRCh38, chr8:42,870,022, plus strand): 5'-TCTACACAGTCACTTTTCCCAAGTATAGCGTTGTTTGCTTACCACAAAAAAGATGTCCAC[A>G]GTTGGTCTCCACCGGGAAGGAGGCTTGGTGCAGGCAGATGGGACAGTACATGTCAGTGTA-3'
Protein context (NP_112216.3, residues 92-112): HQASFPVETN[Cys102Arg]GHLFCGACII

ClinVar aggregate classification (germline): Conflicting classifications of pathogenicity. Review status: criteria provided, conflicting classifications (1 of 4 stars). 6 submissions from 5 submitters: Likely pathogenic (2); Uncertain significance (1). 3 of the submissions do not count toward it. Last evaluated 2025-12-11.

Conditions:
Spastic paraplegia 85, autosomal recessive (SPG85). Identifiers: Orphanet 631082, MedGen C5562053, MONDO:0030512, OMIM 619686.
Spastic paraplegia. Identifiers: MedGen C0037772, HP:0001258.
Autosomal dominant sensory ataxia 1. Identifiers: MedGen C1837015, MONDO:0012166, OMIM 608984.

Allele frequency attached by ClinVar (database versions not stated): gnomAD exomes below 0.00001.
gnomAD v4.1: 2 of 1,613,680 alleles (0.00012%); highest among the groups gnomAD compares: South Asian, 0.0011%; no homozygotes.

Submissions (6):

Genomic Research Center, Shahid Beheshti University of Medical Sciences
Classification: Likely pathogenic for Spastic paraplegia 85, autosomal recessive. Last evaluated: 2025-12-11. Review status: criteria provided, single submitter. Criteria: ACMG Guidelines, 2015. Collection method: clinical testing. Allele origin: inherited. Affected: yes. Observed: 1 homozygote.
Comment: This variant is observed at a significantly higher frequency in affected individuals compared with controls, supporting its association with disease. It is extremely rare in population databases. Computational evidence predicts a deleterious effect on protein function. This variant has previously been submitted to ClinVar with conflicting classifications (Likely pathogenic and Uncertain significance)( VCV000638435.6)

3billion
Classification: Likely pathogenic for Spastic paraplegia 85, autosomal recessive. Last evaluated: 2022-03-22. Review status: criteria provided, single submitter. Criteria: ACMG Guidelines, 2015. Collection method: clinical testing. Allele origin: germline. Affected: yes. Observed: 1 homozygote.
Comment: Same or different nucleotide change resulting in same amino acid change has been previously reported to be associated with RNF170 related disorder (PMID:31636353). The variant has been reported to co-segregate with the disease in at least 3 similarly affected relatives/individuals in the same family or similarly affected unrelated family (PMID: 31636353). In silico tool predictions suggest damaging effect of the variant on gene or gene product (REVEL: 0.959>=0.6, 3CNET: 0.975>=0.75). The variant is observed at an extremely low frequency in the gnomAD v2.1.1 dataset (total allele frequency: 0.000004). Therefore, this variant is classified as likely pathogenic according to the recommendation of ACMG/AMP guideline.

Genomic Research Center, Shahid Beheshti University of Medical Sciences
Classification: Uncertain significance for Ataxia, sensory, autosomal dominant. Last evaluated: 2019-04-27. Review status: criteria provided, single submitter. Criteria: ACMG Guidelines, 2015. Collection method: clinical testing. Allele origin: inherited. Affected: yes.

OMIM
Classification: Pathogenic for SPASTIC PARAPLEGIA 85, AUTOSOMAL RECESSIVE. Last evaluated: 2022-01-05. Review status: no assertion criteria provided. Collection method: literature only. Allele origin: germline. Not counted in ClinVar's aggregate classification.

Yale Center for Mendelian Genomics, Yale University
Classification: Pathogenic for Spastic paraplegia. Last evaluated: 2019-10-21. Review status: no assertion criteria provided. Collection method: literature only. Allele origin: germline. Affected: yes. Observed: 1 homozygote. Study: Yale Center for Mendelian Genomics. Not counted in ClinVar's aggregate classification.

Next Generation Genetic Polyclinic
Classification: Pathogenic for Autosomal dominant sensory ataxia 1. Review status: no assertion criteria provided. Collection method: clinical testing. Allele origin: inherited. Affected: yes. Not counted in ClinVar's aggregate classification.

Literature cited by the submitters: PubMed 31636353 (cited by 4 submitters).